The following is an entry in ClinVar:

NM_012431.3(SEMA3E):c.41G>T (p.Gly14Val)

Gene: SEMA3E (semaphorin 3E; minus strand). Cytogenetic location: 7q21.11.
Variant type: single nucleotide variant.
Coding change: c.41G>T on transcript NM_012431.3 (MANE Select); coding-DNA position 41, G replaced by T.
Protein change: p.Gly14Val; replaces glycine 14 with valine.
Molecular consequence: missense variant.
Genome position (GRCh38, 1-based): chr7:83,648,502, C>A on the plus strand (G>T on the coding strand, the complement: SEMA3E is on the minus strand). VCF-style: chr7-83648502-C-A. GRCh37 (hg19) VCF-style: chr7-83277818-C-A.
Other names: short protein forms G14V.
Identifiers: ClinVar variation 2807941 (VCV002807941.3), dbSNP rs1794110039, ClinGen allele CA368021245.

ClinVar aggregate classification (germline): Uncertain significance (1 of 4 stars; one submission).

Conditions:
CHARGE syndrome (CHARGE). Also called: Hittner Hirsch Kreh syndrome; CHARGE ASSOCIATION--COLOBOMA, HEART ANOMALY, CHOANAL ATRESIA, RETARDATION, GENITAL AND EAR ANOMALIES; Coloboma, heart anomaly, choanal atresia, retardation, genital and ear anomalies; CHARGE association; Hall-Hittner syndrome. Identifiers: Orphanet 138, MedGen C0265354, MONDO:0008965.

Allele frequency attached by ClinVar (database versions not stated): gnomAD 0.00001.
gnomAD v4.1: 1 of 1,612,906 alleles (0.000062%); highest among the groups gnomAD compares: South Asian, 0.0011%; no homozygotes.

Submission:

Labcorp Genetics (formerly Invitae), Labcorp
Classification: Uncertain significance for CHARGE syndrome. Last evaluated: 2022-10-26. Review status: criteria provided, single submitter. Criteria: Invitae Variant Classification Sherloc (09022015). Collection method: clinical testing. Allele origin: germline.
Comment: This sequence change replaces glycine, which is neutral and non-polar, with valine, which is neutral and non-polar, at codon 14 of the SEMA3E protein (p.Gly14Val). This variant is not present in population databases (gnomAD no frequency). This variant has not been reported in the literature in individuals affected with SEMA3E-related conditions. Algorithms developed to predict the effect of missense changes on protein structure and function are either unavailable or do not agree on the potential impact of this missense change (SIFT: "Deleterious"; PolyPhen-2: "Benign"; Align-GVGD: "Class C0"). In summary, the available evidence is currently insufficient to determine the role of this variant in disease. Therefore, it has been classified as a Variant of Uncertain Significance.